The following is an entry in ClinVar:

ClinVar aggregate classification (germline): Uncertain significance (1 of 4 stars; one submission).

Conditions:
Neuroblastoma, susceptibility to, 3. Also called: ALK-Related Neuroblastic Tumor Susceptibility. Identifiers: Orphanet 635, MedGen C2751681, MONDO:0013083, OMIM 613014.

Submission:

Labcorp Genetics (formerly Invitae), Labcorp
Classification: Uncertain significance for Neuroblastoma, susceptibility to, 3. Last evaluated: 2024-03-18. Review status: criteria provided, single submitter. Criteria: Invitae Variant Classification Sherloc (09022015). Collection method: clinical testing. Allele origin: germline.
Comment: This sequence change creates a premature translational stop signal (p.Gln463Argfs*44) in the ALK gene. It is expected to result in an absent or disrupted protein product. However, the current clinical and genetic evidence is not sufficient to establish whether loss-of-function variants in ALK cause disease. This variant is not present in population databases (gnomAD no frequency). This variant has not been reported in the literature in individuals affected with ALK-related conditions. ClinVar contains an entry for this variant (Variation ID: 1055379). In summary, the available evidence is currently insufficient to determine the role of this variant in disease. Therefore, it has been classified as a Variant of Uncertain Significance.

NM_004304.5(ALK):c.1387del (p.Gln463fs)

Gene: ALK (ALK receptor tyrosine kinase; minus strand). Cytogenetic location: 2p23.2.
Variant type: Deletion.
Coding change: c.1387del on transcript NM_004304.5 (MANE Select); coding-DNA position 1387, one base deleted (C; older notation c.1387delC).
Protein change: p.Gln463fs; shifts the reading frame from glutamine 463.
Molecular consequence: frameshift variant.
Genome position (GRCh38, 1-based): chr2:29,328,377, G deleted on the plus strand (C on the coding strand, the reverse complement: ALK is on the minus strand); the first of 3 consecutive G bases (chr2:29,328,377-29,328,379); deleting any one gives the same sequence. VCF-style (leftmost placement, unchanged base first): chr2-29328376-TG-T. GRCh37 (hg19) VCF-style: chr2-29551242-TG-T.
Other names: short protein forms Q463fs.
Identifiers: ClinVar variation 1055379 (VCV001055379.7), dbSNP rs2148258233, ClinGen allele CA2499215875.